The following is an entry in ClinVar:

ClinVar aggregate classification (germline): Uncertain significance (1 of 4 stars; one submission).

gnomAD v4.1: 20 of 1,597,522 alleles (0.0013%); highest among the groups gnomAD compares: African/African-American, 0.019%; no homozygotes.

Submission:

GeneDx
Classification: Uncertain significance. Last evaluated: 2026-04-24. Review status: criteria provided, single submitter. Criteria: GeneDx Variant Classification Process June 2021. Collection method: clinical testing. Allele origin: germline.
Comment: In silico analysis supports that this missense variant has a deleterious effect on protein structure/function; Has not been previously published as pathogenic or benign to our knowledge

NM_014822.4(SEC24D):c.848A>G (p.Tyr283Cys)

Gene: SEC24D (SEC24 homolog D, COPII component; minus strand). Cytogenetic location: 4q26.
Variant type: single nucleotide variant.
Coding change: c.848A>G on transcript NM_014822.4 (MANE Select); coding-DNA position 848, A replaced by G.
Protein change: p.Tyr283Cys; replaces tyrosine 283 with cysteine.
Molecular consequence: missense variant.
Genome position (GRCh38, 1-based): chr4:118,805,908, T>C on the plus strand (A>G on the coding strand, the complement: SEC24D is on the minus strand). VCF-style: chr4-118805908-T-C. GRCh37 (hg19) VCF-style: chr4-119727063-T-C.
Other names: c.851A>G, p.Tyr284Cys (NM_001318066.2); short protein forms Y283C, Y284C.
Identifiers: ClinVar variation 5037644 (VCV005037644.1).